The following is an entry in ClinVar:

NM_000043.6(FAS):c.334+46C>T

Gene: FAS (Fas cell surface death receptor; plus strand). Cytogenetic location: 10q23.31.
Variant type: single nucleotide variant.
Coding change: c.334+46C>T on transcript NM_000043.6 (MANE Select); 46 bases into the intron after coding-DNA position 334, C replaced by T.
Molecular consequence: intron variant.
Genome position (GRCh38, 1-based): chr10:89,007,883, C>T. VCF-style: chr10-89007883-C-T. GRCh37 (hg19) VCF-style: chr10-90767640-C-T.
Other names: c.334+46C>T (NM_152872.4, NM_001320619.2, NM_152871.4).
Identifiers: ClinVar variation 1235502 (VCV001235502.6), dbSNP rs2296601, ClinGen allele CA5593085.

ClinVar aggregate classification (germline): Benign. Review status: criteria provided, multiple submitters, no conflicts (2 of 4 stars). 3 submissions from 3 submitters: Benign (3). Last evaluated 2023-11-12.

Allele frequency attached by ClinVar (database versions not stated): gnomAD exomes 0.12557 and 0.16524; ESP Exome Variant Server 0.14363; ExAC 0.16367; gnomAD 0.16410 and 0.16837; TOPMed 0.16751; 1000 Genomes Project 30x 0.23891; 1000 Genomes Project 0.24201.
gnomAD v4.1: 209,976 of 1,611,144 alleles (13%); highest among the groups gnomAD compares: East Asian, 45%; 17,569 homozygotes.

Submissions (3):

Unidad de Genómica Garrahan, Hospital de Pediatría Garrahan
Classification: Benign. Last evaluated: 2023-11-12. Review status: criteria provided, single submitter. Criteria: ACMG Guidelines, 2015. Collection method: clinical testing. Allele origin: germline. Affected: no. Observed: 19 variant alleles.
Comment: This variant is classified as Benign based on local population frequency. This variant was detected in 20% of patients studied by a panel of primary immunodeficiencies. Number of patients: 19. Only high quality variants are reported.

GeneDx
Classification: Benign. Last evaluated: 2015-03-03. Review status: criteria provided, single submitter. Criteria: GeneDx Variant Classification Process June 2021. Collection method: clinical testing. Allele origin: germline. Affected: yes.

Breakthrough Genomics
Classification: Benign. Review status: criteria provided, single submitter. Criteria: ACMG Guidelines, 2015. Collection method: not provided. Allele origin: germline. Inheritance: Autosomal dominant inheritance. Affected: yes.